The following is an entry in ClinVar:

NM_001167.4(XIAP):c.145C>T (p.Arg49Ter)

Gene: XIAP (X-linked inhibitor of apoptosis; plus strand). Cytogenetic location: Xq25.
Variant type: single nucleotide variant.
Coding change: c.145C>T on transcript NM_001167.4 (MANE Select); coding-DNA position 145, C replaced by T.
Protein change: p.Arg49Ter; replaces arginine 49 with a stop codon.
Molecular consequence: nonsense.
Genome position (GRCh38, 1-based): chrX:123,885,807, C>T. VCF-style: chrX-123885807-C-T. GRCh37 (hg19) VCF-style: chrX-123019657-C-T.
Other names: c.145C>T, p.Arg49Ter (NM_001204401.2, NM_001378590.1, NM_001378591.1 and 1 more transcripts); short protein forms R49*.
Identifiers: ClinVar variation 2138713 (VCV002138713.4), dbSNP rs2522584464, ClinGen allele CA414122804.
Genomic context (GRCh38, chrX:123,885,807, plus strand): 5'-AGATTAAAAACTTTTGCTAATTTTCCAAGTGGTAGTCCTGTTTCAGCATCAACACTGGCA[C>T]GAGCAGGGTTTCTTTATACTGGTGAAGGAGATACCGTGCGGTGCTTTAGTTGTCATGCAG-3'

ClinVar aggregate classification (germline): Pathogenic (1 of 4 stars; one submission).

Conditions:
X-linked lymphoproliferative disease due to XIAP deficiency. Also called: XIAP DEFICIENCY; XIAP-Related Lymphoproliferative Disease, X-Linked. Identifiers: Orphanet 2442, Orphanet 538934, MedGen C1845076, MONDO:0010385, OMIM 300635.

Submission:

Labcorp Genetics (formerly Invitae), Labcorp
Classification: Pathogenic for X-linked lymphoproliferative disease due to XIAP deficiency. Last evaluated: 2024-09-10. Review status: criteria provided, single submitter. Criteria: Invitae Variant Classification Sherloc (09022015). Collection method: clinical testing. Allele origin: germline.
Comment: This sequence change creates a premature translational stop signal (p.Arg49*) in the XIAP gene. It is expected to result in an absent or disrupted protein product. Loss-of-function variants in XIAP are known to be pathogenic (PMID: 17080092, 21119115, 25666262). This variant is not present in population databases (gnomAD no frequency). This premature translational stop signal has been observed in individual(s) with XIAP deficiency (PMID: 32542393). ClinVar contains an entry for this variant (Variation ID: 2138713). For these reasons, this variant has been classified as Pathogenic.

Literature cited by the submitters: PubMed 17080092; PubMed 21119115; PubMed 25666262; PubMed 32542393.